The following is an entry in ClinVar:

ClinVar aggregate classification (germline): Uncertain significance. Review status: criteria provided, multiple submitters, no conflicts (2 of 4 stars). 2 submissions from 2 submitters: Uncertain significance (2). Last evaluated 2025-04-02.

Conditions:
Inborn genetic diseases. Identifiers: MedGen C0950123, MeSH D030342.

Allele frequency attached by ClinVar (database versions not stated): TOPMed below 0.00001; gnomAD 0.00001.
gnomAD v4.1: 3 of 1,609,944 alleles (0.00019%); highest among the groups gnomAD compares: Non-Finnish European, 0.00017%; no homozygotes.

Submissions (2):

Ambry Genetics
Classification: Uncertain significance for Inborn genetic diseases. Last evaluated: 2025-04-02. Review status: criteria provided, single submitter. Criteria: Ambry Variant Classification Scheme 2023. Collection method: clinical testing. Allele origin: germline.

Labcorp Genetics (formerly Invitae), Labcorp
Classification: Uncertain significance. Last evaluated: 2022-04-28. Review status: criteria provided, single submitter. Criteria: Invitae Variant Classification Sherloc (09022015). Collection method: clinical testing. Allele origin: germline.
Comment: This sequence change replaces alanine, which is neutral and non-polar, with valine, which is neutral and non-polar, at codon 358 of the PEX3 protein (p.Ala358Val). This variant is not present in population databases (gnomAD no frequency). This variant has not been reported in the literature in individuals affected with PEX3-related conditions. Algorithms developed to predict the effect of missense changes on protein structure and function are either unavailable or do not agree on the potential impact of this missense change (SIFT: "Deleterious"; PolyPhen-2: "Probably Damaging"; Align-GVGD: "Class C15"). Algorithms developed to predict the effect of sequence changes on RNA splicing suggest that this variant may disrupt the consensus splice site. In summary, the available evidence is currently insufficient to determine the role of this variant in disease. Therefore, it has been classified as a Variant of Uncertain Significance.

NM_003630.3(PEX3):c.1073C>T (p.Ala358Val)

Gene: PEX3 (peroxisomal biogenesis factor 3; plus strand). Cytogenetic location: 6q24.2.
Variant type: single nucleotide variant.
Coding change: c.1073C>T on transcript NM_003630.3 (MANE Select); coding-DNA position 1073, C replaced by T.
Protein change: p.Ala358Val; replaces alanine 358 with valine.
Molecular consequence: missense variant.
Genome position (GRCh38, 1-based): chr6:143,489,177, C>T. VCF-style: chr6-143489177-C-T. GRCh37 (hg19) VCF-style: chr6-143810314-C-T.
Other names: c.1073C>T (NM_003630.2); short protein forms A358V.
Identifiers: ClinVar variation 2083319 (VCV002083319.2), dbSNP rs1316783547, ClinGen allele CA365888649.
Genomic context (GRCh38, chr6:143,489,177, plus strand): 5'-TAATGTTATATTATCATCTTTGCTAGGATCTGTTGACAATGGAGCAAGTGAAAGACTTTG[C>T]TGCTAATGTGTATGAAGCTTTTAGTACCCCTCAGCAACTGGAGAAATGATTTTTCCTTCA-3'
Protein context (NP_003621.1, residues 348-368): LLTMEQVKDF[Ala358Val]ANVYEAFSTP